The following is an entry in ClinVar:

NM_000429.3(MAT1A):c.772G>T (p.Asp258Tyr)

Gene: MAT1A (methionine adenosyltransferase 1A; minus strand). Cytogenetic location: 10q22.3.
Variant type: single nucleotide variant.
Coding change: c.772G>T on transcript NM_000429.3 (MANE Select); coding-DNA position 772, G replaced by T.
Protein change: p.Asp258Tyr; replaces aspartic acid 258 with tyrosine.
Molecular consequence: missense variant.
Genome position (GRCh38, 1-based): chr10:80,275,196, C>A on the plus strand (G>T on the coding strand, the complement: MAT1A is on the minus strand). VCF-style: chr10-80275196-C-A. GRCh37 (hg19) VCF-style: chr10-82034952-C-A.
Other names: short protein forms D258Y.
Identifiers: ClinVar variation 647990 (VCV000647990.12), dbSNP rs1554840677, ClinGen allele CA377360977.

ClinVar aggregate classification (germline): Pathogenic/Likely pathogenic. Review status: criteria provided, multiple submitters, no conflicts (2 of 4 stars). 2 submissions from 2 submitters: Pathogenic (1); Likely pathogenic (1). Last evaluated 2025-07-24.

Conditions:
Hepatic methionine adenosyltransferase deficiency. Also called: Methionine adenosyltransferase deficiency; Isolated Persistent Hypermethioninemia; Deficiency of methionine adenosyltransferase; MAT I/III DEFICIENCY. Identifiers: Orphanet 168598, MedGen C0268621, MeSH C564683, MONDO:0009607, OMIM 250850.

Submissions (2):

GeneDx
Classification: Likely pathogenic. Last evaluated: 2025-07-24. Review status: criteria provided, single submitter. Criteria: GeneDx Variant Classification Process June 2021. Collection method: clinical testing. Allele origin: germline. Affected: yes.
Comment: Not observed at significant frequency in large population cohorts (gnomAD); In silico analysis supports that this missense variant has a deleterious effect on protein structure/function; Has not been previously published as pathogenic or benign to our knowledge

Labcorp Genetics (formerly Invitae), Labcorp
Classification: Pathogenic for Hepatic methionine adenosyltransferase deficiency. Last evaluated: 2025-06-25. Review status: criteria provided, single submitter. Criteria: Invitae Variant Classification Sherloc (09022015). Collection method: clinical testing. Allele origin: germline.
Comment: This sequence change replaces aspartic acid, which is acidic and polar, with tyrosine, which is neutral and polar, at codon 258 of the MAT1A protein (p.Asp258Tyr). This variant is not present in population databases (gnomAD no frequency). This missense change has been observed in individual(s) with clinical features of hypermethioninemia (internal data). ClinVar contains an entry for this variant (Variation ID: 647990). Invitae Evidence Modeling of protein sequence and biophysical properties (such as structural, functional, and spatial information, amino acid conservation, physicochemical variation, residue mobility, and thermodynamic stability) indicates that this missense variant is expected to disrupt MAT1A protein function with a positive predictive value of 80%. This variant disrupts the p.Asp258 amino acid residue in MAT1A. Other variant(s) that disrupt this residue have been observed in individuals with MAT1A-related conditions (PMID: 20675163; internal data), which suggests that this may be a clinically significant amino acid residue. For these reasons, this variant has been classified as Pathogenic.

Literature cited by the submitters: PubMed 20675163 (cited by Labcorp Genetics (formerly Invitae), Labcorp).